The following is an entry in ClinVar:

ClinVar aggregate classification (germline): Uncertain significance (1 of 4 stars; one submission).

Conditions:
Aortic aneurysm, familial thoracic 7 (AAT7). Also called: AORTIC DISSECTION, FAMILIAL, WITH OR WITHOUT AORTIC ANEURYSM. Identifiers: MedGen C3151077, MONDO:0013418, OMIM 613780.

Submission:

Labcorp Genetics (formerly Invitae), Labcorp
Classification: Uncertain significance for Aortic aneurysm, familial thoracic 7. Last evaluated: 2025-09-15. Review status: criteria provided, single submitter. Criteria: Invitae Variant Classification Sherloc (09022015). Collection method: clinical testing. Allele origin: germline.
Comment: This sequence change replaces asparagine, which is neutral and polar, with histidine, which is basic and polar, at codon 257 of the MYLK protein (p.Asn257His). This variant is not present in population databases (gnomAD no frequency). This variant has not been reported in the literature in individuals affected with MYLK-related conditions. Invitae Evidence Modeling of protein sequence and biophysical properties (such as structural, functional, and spatial information, amino acid conservation, physicochemical variation, residue mobility, and thermodynamic stability) indicates that this missense variant is not expected to disrupt MYLK protein function with a negative predictive value of 95%. In summary, the available evidence is currently insufficient to determine the role of this variant in disease. Therefore, it has been classified as a Variant of Uncertain Significance.

NM_053025.4(MYLK):c.769A>C (p.Asn257His)

Gene: MYLK (myosin light chain kinase; minus strand). Cytogenetic location: 3q21.1.
Variant type: single nucleotide variant.
Coding change: c.769A>C on transcript NM_053025.4 (MANE Select); coding-DNA position 769, A replaced by C.
Protein change: p.Asn257His; replaces asparagine 257 with histidine.
Molecular consequence: missense variant.
Genome position (GRCh38, 1-based): chr3:123,735,402, T>G on the plus strand (A>C on the coding strand, the complement: MYLK is on the minus strand). VCF-style: chr3-123735402-T-G. GRCh37 (hg19) VCF-style: chr3-123454249-T-G.
Other names: c.241A>C, p.Asn81His (NM_001321309.2); c.769A>C, p.Asn257His (NM_053026.4, NM_053027.4, NM_053028.4); short protein forms N81H, N257H.
Identifiers: ClinVar variation 4759857 (VCV004759857.1).
Genomic context (GRCh38, chr3:123,735,402, plus strand): 5'-ATCCTTGCAGGGCATTTCAAGAGGGAAAACGTAAAAGTCACAAAGCCTAGACATACCTAT[T>G]GGCACTGTCCAAACCTGGAAAAAGGGGGAAGGGTGGAAAGACTGTTAGTAGAATGCTGTA-3'
Protein context (NP_444253.3, residues 247-267): ELSIQGLDSA[Asn257His]RSFVRETKAT